The following is an entry in ClinVar:

ClinVar aggregate classification (germline): Uncertain significance (1 of 4 stars; one submission).

Conditions:
Inborn genetic diseases. Identifiers: MedGen C0950123, MeSH D030342.

gnomAD v4.1: 1 of 1,612,770 alleles (0.000062%); highest among the groups gnomAD compares: East Asian, 0.0022%; no homozygotes.

Submission:

Ambry Genetics
Classification: Uncertain significance for Inborn genetic diseases. Last evaluated: 2024-12-10. Review status: criteria provided, single submitter. Criteria: Ambry Variant Classification Scheme 2023. Collection method: clinical testing. Allele origin: germline.
Comment: The p.V1244I variant (also known as c.3730G>A), located in coding exon 25 of the ANKRD26 gene, results from a G to A substitution at nucleotide position 3730. The valine at codon 1244 is replaced by isoleucine, an amino acid with highly similar properties. This amino acid position is conserved. In addition, this alteration is predicted to be tolerated by in silico analysis. Based on the available evidence, the clinical significance of this variant remains unclear.

NM_014915.3(ANKRD26):c.3730G>A (p.Val1244Ile)

Gene: ANKRD26 (ankyrin repeat domain containing 26; minus strand). Cytogenetic location: 10p12.1.
Variant type: single nucleotide variant.
Coding change: c.3730G>A on transcript NM_014915.3 (MANE Select); coding-DNA position 3730, G replaced by A.
Protein change: p.Val1244Ile; replaces valine 1244 with isoleucine.
Molecular consequence: missense variant.
Genome position (GRCh38, 1-based): chr10:27,033,302, C>T on the plus strand (G>A on the coding strand, the complement: ANKRD26 is on the minus strand). VCF-style: chr10-27033302-C-T. GRCh37 (hg19) VCF-style: chr10-27322231-C-T.
Other names: c.3727G>A, p.Val1243Ile (NM_001256053.2); short protein forms V1244I, V1243I.
Identifiers: ClinVar variation 3397412 (VCV003397412.1).